The following is an entry in ClinVar:

NM_005159.5(ACTC1):c.834A>G (p.Glu278=)

Genes: ACTC1 (actin alpha cardiac muscle 1; minus strand), GJD2-DT (GJD2 divergent transcript; plus strand). Cytogenetic location: 15q14.
Variant type: single nucleotide variant.
Coding change: c.834A>G on transcript NM_005159.5 (MANE Select); coding-DNA position 834, A replaced by G.
Protein change: p.Glu278=; no amino-acid change (glutamic acid 278 retained).
Molecular consequence: synonymous variant.
Genome position (GRCh38, 1-based): chr15:34,791,270, T>C on the plus strand (A>G on the coding strand, the complement: ACTC1 is on the minus strand). VCF-style: chr15-34791270-T-C. GRCh37 (hg19) VCF-style: chr15-35083471-T-C.
Other names: c.834A>G, p.Glu278= (NM_001406482.1, NM_001406483.1); c.699A>G, p.Glu233= (NM_001406484.1); c.393A>G, p.Glu131= (NM_001406485.1).
Identifiers: ClinVar variation 3386899 (VCV003386899.1).
Genomic context (GRCh38, chr15:34,791,270, plus strand): 5'-GTTGGCATACAGGTCCTTGCGGATATCAATGTCACACTTCATGATGCTATTGTAAGTTGT[T>C]TCATGGATGCCAGCAGATTCCATACCTGGGAACGAGTCACACACACACACACACACACAC-3'
Protein context (NP_005150.1, residues 268-288): FIGMESAGIH[Glu278=]TTYNSIMKCD

ClinVar aggregate classification (germline): Likely benign (1 of 4 stars; one submission).

Conditions:
Hypertrophic cardiomyopathy. Also called: HYPERTROPHIC MYOCARDIOPATHY. Identifiers: Orphanet 217569, MedGen C0007194, MeSH D002312, MONDO:0005045, HP:0001639.

Submission:

All of Us Research Program, National Institutes of Health
Classification: Likely benign for Hypertrophic cardiomyopathy. Last evaluated: 2024-05-30. Review status: criteria provided, single submitter. Criteria: ACMG Guidelines, 2015. Collection method: clinical testing. Allele origin: germline. Inheritance: Autosomal dominant inheritance. Observed: 1 variant allele, 1 heterozygote.
Comment: This study involves interpretation of variants in research participants for the purpose of population health screening. Participant phenotype was not available at the time of variant classification. Additional details can be found in publication PMID: 35346344, PMCID: PMC8962531